The following is an entry in ClinVar:

NM_000016.6(ACADM):c.1085G>A (p.Gly362Glu)

Gene: ACADM (acyl-CoA dehydrogenase medium chain; plus strand). Cytogenetic location: 1p31.1.
Variant type: single nucleotide variant.
Coding change: c.1085G>A on transcript NM_000016.6 (MANE Select); coding-DNA position 1085, G replaced by A.
Protein change: p.Gly362Glu; replaces glycine 362 with glutamic acid.
Molecular consequence: missense variant.
Genome position (GRCh38, 1-based): chr1:75,761,261, G>A. VCF-style: chr1-75761261-G-A. GRCh37 (hg19) VCF-style: chr1-76226946-G-A.
Other names: c.1097G>A, p.Gly366Glu (NM_001127328.3); c.977G>A, p.Gly326Glu (NM_001286042.2); c.1184G>A, p.Gly395Glu (NM_001286043.2); c.518G>A, p.Gly173Glu (NM_001286044.2); short protein forms G326E, G366E, G395E, G173E, G362E.
Identifiers: ClinVar variation 843524 (VCV000843524.14), dbSNP rs150310121, ClinGen allele CA913272.

ClinVar aggregate classification (germline): Pathogenic. Review status: criteria provided, multiple submitters, no conflicts (2 of 4 stars). 5 submissions from 5 submitters: Pathogenic (4). 1 of the submissions does not count toward it. Last evaluated 2026-01-06.

Conditions:
Medium-chain acyl-coenzyme A dehydrogenase deficiency (ACADMD). Also called: MCADH DEFICIENCY; Medium chain acyl-CoA dehydrogenase deficiency; MCAD Deficiency; ACADM DEFICIENCY; MCADD; CARNITINE DEFICIENCY SECONDARY TO MEDIUM-CHAIN ACYL-CoA DEHYDROGENASE DEFICIENCY. Identifiers: Orphanet 42, MedGen C0220710, MONDO:0008721, OMIM 201450.

Allele frequency attached by ClinVar (database versions not stated): ExAC 0.00002; gnomAD exomes 0.00002 and 0.00001; 1000 Genomes Project 30x 0.00016; 1000 Genomes Project 0.00020; TOPMed below 0.00001; gnomAD 0.00001.
gnomAD v4.1: 10 of 1,614,148 alleles (0.00062%); highest among the groups gnomAD compares: East Asian, 0.022%; no homozygotes.

Submissions (5):

Labcorp Genetics (formerly Invitae), Labcorp
Classification: Pathogenic for Medium-chain acyl-coenzyme A dehydrogenase deficiency. Last evaluated: 2026-01-06. Review status: criteria provided, single submitter. Criteria: Invitae Variant Classification Sherloc (09022015). Collection method: clinical testing. Allele origin: germline.
Comment: This sequence change replaces glycine, which is neutral and non-polar, with glutamic acid, which is acidic and polar, at codon 362 of the ACADM protein (p.Gly362Glu). This variant is present in population databases (rs150310121, gnomAD 0.02%). This missense change has been observed in individual(s) with medium chain Acyl-coA dehydrogenase deficiency (PMID: 22796001, 27856190). This variant is also known as p.Gly337Glu. ClinVar contains an entry for this variant (Variation ID: 843524). Invitae Evidence Modeling of protein sequence and biophysical properties (such as structural, functional, and spatial information, amino acid conservation, physicochemical variation, residue mobility, and thermodynamic stability) indicates that this missense variant is expected to disrupt ACADM protein function with a positive predictive value of 80%. Experimental studies have shown that this missense change affects ACADM function (PMID: 26947917). For these reasons, this variant has been classified as Pathogenic.

Natera, Inc.
Classification: Pathogenic for Medium Chain Acyl-CoA Dehydrogenase Deficiency. Last evaluated: 2025-03-31. Review status: criteria provided, single submitter. Criteria: Natera Variant Classification Schema (03/2026). Collection method: clinical testing. Allele origin: germline.
Comment: The c.1085G>A variant in ACADM is a missense variant predicted to cause substitution of glycine to glutamic acid at amino acid 362. This variant is rare in the general population with a frequency below the threshold expected for the associated phenotype(s). This variant has been observed in one or more individuals affected with the associated recessive disease, as either homozygous or compound heterozygous with a second variant (PMID: 27856190, 36207830, 33841490). Given the available evidence, this variant is classified as Pathogenic.

Baylor Genetics
Classification: Pathogenic for Medium-chain acyl-coenzyme A dehydrogenase deficiency. Last evaluated: 2024-03-03. Review status: criteria provided, single submitter. Criteria: ACMG Guidelines, 2015. Collection method: clinical testing. Allele origin: unknown.

Juno Genomics, Hangzhou Juno Genomics, Inc
Classification: Pathogenic for Medium-chain acyl-coenzyme A dehydrogenase deficiency. Review status: criteria provided, single submitter. Criteria: ACMG Guidelines, 2015. Collection method: clinical testing. Allele origin: germline.
Comment: Absent from controls (or at extremely low frequency if recessive) in Genome Aggregation Database.;Multiple lines of computational evidence support a deleterious effect on the gene or gene product.;For recessive disorders, detected in trans with a pathogenic variant.;Patient's phenotype or family history is highly specific for a disease with a single genetic etiology.

Neonatal Disease Screening Center, Medical Genetics Center, Huaihua City Maternal and Child Health Care Hospital
Classification: Pathogenic for Medium-chain acyl-coenzyme A dehydrogenase deficiency. Review status: no assertion criteria provided. Criteria: ACMG Guidelines, 2015. Collection method: clinical testing. Allele origin: germline. Affected: yes. Observed: 1 variant allele. Not counted in ClinVar's aggregate classification.
Comment: PS3+PM2_P+PM3_VS+PP3+PP4

Literature cited by the submitters: PubMed 22796001 (cited by Labcorp Genetics (formerly Invitae), Labcorp); PubMed 27856190 (cited by Labcorp Genetics (formerly Invitae), Labcorp and Natera, Inc.); PubMed 26947917 (cited by Labcorp Genetics (formerly Invitae), Labcorp); PubMed 36207830 (cited by Natera, Inc.); PubMed 33841490 (cited by Natera, Inc.).